The following is an entry in ClinVar:

ClinVar aggregate classification (germline): Benign (0 of 4 stars; one submission).

Conditions:
CLPTM1L-related disorder. Also called: CLPTM1L-related condition.

Allele frequency attached by ClinVar (database versions not stated): 1000 Genomes Project 30x 0.00016; 1000 Genomes Project 0.00020; gnomAD exomes 0.00062; TOPMed 0.00077; ExAC 0.00081; gnomAD 0.00081; ESP Exome Variant Server 0.00115.
gnomAD v4.1: 1,065 of 1,613,284 alleles (0.066%); highest among the groups gnomAD compares: African/African-American, 0.11%; 4 homozygotes.

Submission:

PreventionGenetics, part of Exact Sciences
Classification: Benign for CLPTM1L-related condition. Last evaluated: 2019-08-15. Review status: no assertion criteria provided. Collection method: clinical testing. Allele origin: germline.
Comment: This variant is classified as benign based on ACMG/AMP sequence variant interpretation guidelines (Richards et al. 2015 PMID: 25741868, with internal and published modifications).

NM_030782.5(CLPTM1L):c.1138G>A (p.Glu380Lys)

Gene: CLPTM1L (CLPTM1 like). Cytogenetic location: 5p15.33.
Variant type: single nucleotide variant.
Coding change: c.1138G>A on transcript NM_030782.5 (MANE Select); coding-DNA position 1138, G replaced by A.
Protein change: p.Glu380Lys; replaces glutamic acid 380 with lysine.
Molecular consequence: missense variant.
Genome position (GRCh38, 1-based): chr5:1,325,759, C>T on the plus strand (G>A on the coding strand, the complement: CLPTM1L is on the minus strand). VCF-style: chr5-1325759-C-T. GRCh37 (hg19) VCF-style: chr5-1325874-C-T.
Other names: short protein forms E380K.
Identifiers: ClinVar variation 3052632 (VCV003052632.2), dbSNP rs150678949, ClinGen allele CA3185282.